The following is an entry in ClinVar:

NM_001013.4(RPS9):c.542G>T (p.Gly181Val)

Gene: RPS9 (ribosomal protein S9; plus strand). Cytogenetic location: 19q13.42.
Variant type: single nucleotide variant.
Coding change: c.542G>T on transcript NM_001013.4 (MANE Select); coding-DNA position 542, G replaced by T.
Protein change: p.Gly181Val; replaces glycine 181 with valine.
Molecular consequence: missense variant. On other transcripts: 3 prime UTR variant (1), non-coding transcript variant (2).
Genome position (GRCh38, 1-based): chr19:54,207,532, G>T. VCF-style: chr19-54207532-G-T. GRCh37 (hg19) VCF-style: chr19-54711400-G-T.
Other names: c.542G>T, p.Gly181Val (NM_001321701.2, NM_001321702.2, NM_001321704.2); c.419G>T, p.Gly140Val (NM_001321705.2); c.*115G>T (NM_001321706.2); short protein forms G140V, G181V.
Identifiers: ClinVar variation 4840145 (VCV004840145.1).

ClinVar aggregate classification (germline): Uncertain significance (1 of 4 stars; one submission).

Submission:

Ambry Genetics
Classification: Uncertain significance. Last evaluated: 2026-02-17. Review status: criteria provided, single submitter. Criteria: Ambry Variant Classification Scheme 2023. Collection method: clinical testing. Allele origin: germline.
Comment: The c.542G>T (p.G181V) alteration is located in exon 5 (coding exon 4) of the RPS9 gene. This alteration results from a G to T substitution at nucleotide position 542, causing the glycine (G) at amino acid position 181 to be replaced by a valine (V). Based on data from gnomAD, the T allele has an overall frequency of <0.001% (1/250048) total alleles studied. The highest observed frequency was 0.003% (1/30614) of South Asian alleles. Based on insufficient or conflicting evidence, the clinical significance of this alteration remains unclear.